The following is an entry in ClinVar:

NM_001103.4(ACTN2):c.1001A>G (p.Lys334Arg)

Gene: ACTN2 (actinin alpha 2; plus strand). Cytogenetic location: 1q43.
Variant type: single nucleotide variant.
Coding change: c.1001A>G on transcript NM_001103.4 (MANE Select); coding-DNA position 1001, A replaced by G.
Protein change: p.Lys334Arg; replaces lysine 334 with arginine.
Molecular consequence: missense variant.
Genome position (GRCh38, 1-based): chr1:236,739,426, A>G. VCF-style: chr1-236739426-A-G. GRCh37 (hg19) VCF-style: chr1-236902726-A-G.
Other names: c.1001A>G, p.Lys334Arg (NM_001278343.2); c.377A>G, p.Lys126Arg (NM_001278344.2); c.251A>G, p.Lys84Arg (NM_001412150.1); short protein forms K334R, K84R, K126R.
Identifiers: ClinVar variation 1764052 (VCV001764052.2), dbSNP rs767743838, ClinGen allele CA1473027.

ClinVar aggregate classification (germline): Uncertain significance (1 of 4 stars; one submission).

Conditions:
Cardiovascular phenotype. Identifiers: MedGen CN230736.

Allele frequency attached by ClinVar (database versions not stated): TOPMed below 0.00001; ExAC 0.00001; gnomAD 0.00001; gnomAD exomes 0.00001.
gnomAD v4.1: 11 of 1,614,004 alleles (0.00068%); highest among the groups gnomAD compares: Admixed American, 0.0033%; no homozygotes.

Submission:

Ambry Genetics
Classification: Uncertain significance for Cardiovascular phenotype. Last evaluated: 2021-01-29. Review status: criteria provided, single submitter. Criteria: Ambry Variant Classification Scheme 2023. Collection method: clinical testing. Allele origin: germline.
Comment: The p.K334R variant (also known as c.1001A>G), located in coding exon 10 of the ACTN2 gene, results from an A to G substitution at nucleotide position 1001. The lysine at codon 334 is replaced by arginine, an amino acid with highly similar properties. This amino acid position is well conserved in available vertebrate species; however, arginine is the reference amino acid in other vertebrate species. In addition, this alteration is predicted to be tolerated by in silico analysis. Since supporting evidence is limited at this time, the clinical significance of this alteration remains unclear.